The following is an entry in ClinVar:

ClinVar aggregate classification (germline): Uncertain significance (1 of 4 stars; one submission).

gnomAD v4.1: 11 of 1,614,154 alleles (0.00068%); highest among the groups gnomAD compares: South Asian, 0.0044%; no homozygotes.

Submission:

GeneDx
Classification: Uncertain significance. Last evaluated: 2025-04-28. Review status: criteria provided, single submitter. Criteria: GeneDx Variant Classification Process June 2021. Collection method: clinical testing. Allele origin: germline. Affected: yes.
Comment: In silico analysis indicates that this missense variant does not alter protein structure/function; Has not been previously published as pathogenic or benign to our knowledge

NM_000163.5(GHR):c.1144G>T (p.Gly382Cys)

Gene: GHR (growth hormone receptor; plus strand). Cytogenetic location: 5p12.
Variant type: single nucleotide variant.
Coding change: c.1144G>T on transcript NM_000163.5 (MANE Select); coding-DNA position 1144, G replaced by T.
Protein change: p.Gly382Cys; replaces glycine 382 with cysteine.
Molecular consequence: missense variant. On other transcripts: 3 prime UTR variant (1).
Genome position (GRCh38, 1-based): chr5:42,718,651, G>T. VCF-style: chr5-42718651-G-T. GRCh37 (hg19) VCF-style: chr5-42718753-G-T.
Other names: c.1165G>T, p.Gly389Cys (NM_001242399.2); c.1144G>T, p.Gly382Cys (NM_001242400.2, NM_001242401.4, NM_001242402.2 and 4 more transcripts); c.1078G>T, p.Gly360Cys (NM_001242460.2); c.*186G>T (NM_001242462.1); short protein forms G360C, G382C, G389C.
Identifiers: ClinVar variation 4527813 (VCV004527813.1).